The following is an entry in ClinVar:

NM_021975.4(RELA):c.961C>G (p.Pro321Ala)

Gene: RELA (RELA proto-oncogene, NF-kB subunit; minus strand). Cytogenetic location: 11q13.1.
Variant type: single nucleotide variant.
Coding change: c.961C>G on transcript NM_021975.4 (MANE Select); coding-DNA position 961, C replaced by G.
Protein change: p.Pro321Ala; replaces proline 321 with alanine.
Molecular consequence: missense variant.
Genome position (GRCh38, 1-based): chr11:65,655,760, G>C on the plus strand (C>G on the coding strand, the complement: RELA is on the minus strand). VCF-style: chr11-65655760-G-C. GRCh37 (hg19) VCF-style: chr11-65423231-G-C.
Other names: c.952C>G, p.Pro318Ala (NM_001145138.2); c.961C>G, p.Pro321Ala (NM_001243984.2, NM_001243985.2); c.994C>G, p.Pro332Ala (NM_001404657.1); c.934C>G, p.Pro312Ala (NM_001404658.1); c.748C>G, p.Pro250Ala (NM_001404659.1); c.643C>G, p.Pro215Ala (NM_001404660.1); c.580C>G, p.Pro194Ala (NM_001404661.1); c.868C>G, p.Pro290Ala (NM_001404662.1, NM_001404663.1); short protein forms P250A, P290A, P318A, P194A, P215A, P312A, P321A, P332A.
Identifiers: ClinVar variation 4760138 (VCV004760138.1).

ClinVar aggregate classification (germline): Uncertain significance (1 of 4 stars; one submission).

gnomAD v4.1: 2 of 1,614,010 alleles (0.00012%); highest among the groups gnomAD compares: East Asian, 0.0045%; no homozygotes.

Submission:

Labcorp Genetics (formerly Invitae), Labcorp
Classification: Uncertain significance. Last evaluated: 2025-12-10. Review status: criteria provided, single submitter. Criteria: Invitae Variant Classification Sherloc (09022015). Collection method: clinical testing. Allele origin: germline.
Comment: This sequence change replaces proline, which is neutral and non-polar, with alanine, which is neutral and non-polar, at codon 321 of the RELA protein (p.Pro321Ala). This variant is not present in population databases (gnomAD no frequency). This variant has not been reported in the literature in individuals affected with RELA-related conditions. An algorithm developed to predict the effect of missense changes on protein structure and function (PolyPhen-2) suggests that this variant is likely to be tolerated. In summary, the available evidence is currently insufficient to determine the role of this variant in disease. Therefore, it has been classified as a Variant of Uncertain Significance.